The following is an entry in ClinVar:

ClinVar aggregate classification (germline): Pathogenic (1 of 4 stars; one submission).

Conditions:
Inherited prekallikrein deficiency. Identifiers: Orphanet 749, MedGen CN305372, MONDO:0012901, OMIM 612423.

Allele frequency attached by ClinVar (database versions not stated): gnomAD exomes below 0.00001.
gnomAD v4.1: 2 of 1,614,088 alleles (0.00012%); highest among the groups gnomAD compares: Non-Finnish European, 0.00017%; no homozygotes.

Submission:

Institute for Clinical Chemistry and Laboratory Medicine, University Medical Center Mainz
Classification: Pathogenic for Inherited prekallikrein deficiency. Last evaluated: 2022-12-12. Review status: criteria provided, single submitter. Criteria: ACMG Guidelines, 2015. Collection method: clinical testing. Allele origin: germline. Inheritance: Autosomal recessive inheritance. Affected: yes. Observed: 1 compound heterozygote.
Comment: The daughter of this index case is an asymptomatic heterozygous carrier of the latter variant. The case was originally described by Wuillemin et al as "PK Zürich" (PMID: 8259543). c.1196G>A is predicted to result in a premature stop codon in exon 11 of 15. Prediction tools coherently predict pathogenicity and there are other stop-gain variants in exon 11 known to cause PK deficiency (PMID: 32202057 and 30430790). The MAF of this variant is <0.1%. Based on this, we classified this variant as pathogenic.

Literature cited by the submitters: PubMed 32202057.

NM_000892.5(KLKB1):c.1196G>A (p.Trp399Ter)

Gene: KLKB1 (kallikrein B1; plus strand). Cytogenetic location: 4q35.2.
Variant type: single nucleotide variant.
Coding change: c.1196G>A on transcript NM_000892.5 (MANE Select); coding-DNA position 1196, G replaced by A.
Protein change: p.Trp399Ter; replaces tryptophan 399 with a stop codon.
Molecular consequence: nonsense.
Genome position (GRCh38, 1-based): chr4:186,252,068, G>A. VCF-style: chr4-186252068-G-A. GRCh37 (hg19) VCF-style: chr4-187173222-G-A.
Other names: c.1082G>A, p.Trp361Ter (NM_001318394.2); c.590G>A, p.Trp197Ter (NM_001318396.2); short protein forms W197*, W361*, W399*.
Identifiers: ClinVar variation 1803774 (VCV001803774.2), dbSNP rs1303557405, ClinGen allele CA358951418.
Genomic context (GRCh38, chr4:186,252,068, plus strand): 5'-TCTTTTCAGTCTGCACAACAAAAACAAGCACACGCATTGTTGGAGGAACAAACTCTTCTT[G>A]GGGAGAGTGGCCCTGGCAGGTGAGCCTGCAGGTGAAGCTGACAGCTCAGAGGCACCTGTG-3'